The following is an entry in ClinVar:

ClinVar aggregate classification (germline): Likely benign (1 of 4 stars; one submission).

Conditions:
TUBA4A-related disorder. Also called: TUBA4A-related condition.

gnomAD v4.1: 1 of 1,614,232 alleles (0.000062%); highest among the groups gnomAD compares: Non-Finnish European, 0.000085%; no homozygotes.

Submission:

PreventionGenetics, part of Exact Sciences
Classification: Likely benign for TUBA4A-related condition. Last evaluated: 2025-02-13. Review status: criteria provided, single submitter. Criteria: ACMG Guidelines, 2015. Collection method: clinical testing. Allele origin: germline.
Comment: This variant is classified as likely benign based on ACMG/AMP sequence variant interpretation guidelines (Richards et al. 2015 PMID: 25741868, with internal and published modifications).

NM_006000.3(TUBA4A):c.1125G>C (p.Val375=)

Gene: TUBA4A (tubulin alpha 4a; minus strand). Cytogenetic location: 2q35.
Variant type: single nucleotide variant.
Coding change: c.1125G>C on transcript NM_006000.3 (MANE Select); coding-DNA position 1125, G replaced by C.
Protein change: p.Val375=; no amino-acid change (valine 375 retained).
Molecular consequence: synonymous variant.
Genome position (GRCh38, 1-based): chr2:219,250,574, C>G on the plus strand (G>C on the coding strand, the complement: TUBA4A is on the minus strand). VCF-style: chr2-219250574-C-G. GRCh37 (hg19) VCF-style: chr2-220115296-C-G.
Other names: c.1080G>C, p.Val360= (NM_001278552.2).
Identifiers: ClinVar variation 4990414 (VCV004990414.1).